The following is an entry in ClinVar:

ClinVar aggregate classification (germline): Uncertain significance (1 of 4 stars; one submission).

Conditions:
Heterotaxy, visceral, 8, autosomal (HTX8). Identifiers: MedGen C4310668, MONDO:0014967, OMIM 617205.

Submission:

Clinical Genomics Laboratory, Washington University in St. Louis
Classification: Uncertain significance for Heterotaxy, visceral, 8, autosomal. Last evaluated: 2025-08-04. Review status: criteria provided, single submitter. Criteria: ACMG Guidelines, 2015. Collection method: clinical testing. Allele origin: germline.
Comment: The PKD1L1 c.5830A>C (p.Ser1944Arg) variant, to our knowledge, has not been reported in the medical literature. This variant is absent from the general population (gnomAD v2.1.1), indicating it is not a common variant. Computational predictors suggest that the variant does not impact PKD1L1 function. Due to limited information, and based on ACMG/AMP guidelines for variant interpretation (Richards S et al., PMID: 25741868), the clinical significance of this variant is uncertain at this time.

NM_138295.5(PKD1L1):c.5830A>C (p.Ser1944Arg)

Gene: PKD1L1 (polycystin 1 like 1, transient receptor potential channel interacting; minus strand). Cytogenetic location: 7p12.3.
Variant type: single nucleotide variant.
Coding change: c.5830A>C on transcript NM_138295.5 (MANE Select); coding-DNA position 5830, A replaced by C.
Protein change: p.Ser1944Arg; replaces serine 1944 with arginine.
Molecular consequence: missense variant.
Genome position (GRCh38, 1-based): chr7:47,837,034, T>G on the plus strand (A>C on the coding strand, the complement: PKD1L1 is on the minus strand). VCF-style: chr7-47837034-T-G. GRCh37 (hg19) VCF-style: chr7-47876632-T-G.
Other names: short protein forms S1944R.
Identifiers: ClinVar variation 4279842 (VCV004279842.1).
Genomic context (GRCh38, chr7:47,837,034, plus strand): 5'-GCAGGGAGAAGGACACGGTGAGGCGCGGCGTGTGCAGGTAGCGGCTGGAGGAGGGCCTGC[T>G]GTACACCGACAGCCAGACATGGAAATCCTCCAGGTACTCTGTGAACTTGCAATAGAAAAG-3'
Protein context (NP_612152.1, residues 1934-1954): EDFHVWLSVY[Ser1944Arg]RPSSSRYLHT